The following is an entry in ClinVar:

NM_001267550.2(TTN):c.25599C>T (p.Ile8533=)

Gene: TTN (titin; minus strand). Cytogenetic location: 2q31.2.
Variant type: single nucleotide variant.
Coding change: c.25599C>T on transcript NM_001267550.2 (MANE Select); coding-DNA position 25599, C replaced by T.
Protein change: p.Ile8533=; no amino-acid change (isoleucine 8533 retained).
Molecular consequence: synonymous variant. On other transcripts: intron variant (3).
Genome position (GRCh38, 1-based): chr2:178,717,135, G>A on the plus strand (C>T on the coding strand, the complement: TTN is on the minus strand). VCF-style: chr2-178717135-G-A. GRCh37 (hg19) VCF-style: chr2-179581862-G-A.
Other names: c.24648C>T, p.Ile8216= (NM_001256850.1); c.21867C>T, p.Ile7289= (NM_133378.4); c.13282+20947C>T (NM_003319.4); c.13858+20947C>T (NM_133437.4); c.13657+20947C>T (NM_133432.3).
Identifiers: ClinVar variation 1091010 (VCV001091010.10), dbSNP rs779856071, ClinGen allele CA2000190.

ClinVar aggregate classification (germline): Likely benign. Review status: criteria provided, multiple submitters, no conflicts (2 of 4 stars). 2 submissions from 2 submitters: Likely benign (2). Last evaluated 2025-11-24.

Conditions:
TTN-related disorder. Also called: TTN-related disorders; TTN-related condition; TTN-related disease.
Dilated cardiomyopathy 1G (CMD1G). Identifiers: Orphanet 154, MedGen C1858763, MONDO:0011400, OMIM 604145.
Autosomal recessive limb-girdle muscular dystrophy type 2J (LGMDR10). Also called: Limb-girdle muscular dystrophy, type 2J; MUSCULAR DYSTROPHY, LIMB-GIRDLE, AUTOSOMAL RECESSIVE 10. Identifiers: Orphanet 140922, MedGen C1837342, MONDO:0012127, OMIM 608807.

Allele frequency attached by ClinVar (database versions not stated): gnomAD 0.00001; gnomAD exomes 0.00001 and 0.00002; ExAC 0.00002; TOPMed 0.00002.
gnomAD v4.1: 29 of 1,613,244 alleles (0.0018%); highest among the groups gnomAD compares: Non-Finnish European, 0.0023%; no homozygotes.

Submissions (2):

Labcorp Genetics (formerly Invitae), Labcorp
Classification: Likely benign for Dilated cardiomyopathy 1G; Autosomal recessive limb-girdle muscular dystrophy type 2J. Last evaluated: 2025-11-24. Review status: criteria provided, single submitter. Criteria: Invitae Variant Classification Sherloc (09022015). Collection method: clinical testing. Allele origin: germline.

PreventionGenetics, part of Exact Sciences
Classification: Likely benign for TTN-related condition. Last evaluated: 2025-09-11. Review status: criteria provided, single submitter. Criteria: ACMG Guidelines, 2015. Collection method: clinical testing. Allele origin: germline.
Comment: This variant is classified as likely benign based on ACMG/AMP sequence variant interpretation guidelines (Richards et al. 2015 PMID: 25741868, with internal and published modifications).